The following is an entry in ClinVar:

ClinVar aggregate classification (germline): Conflicting classifications of pathogenicity. Review status: criteria provided, conflicting classifications (1 of 4 stars). 3 submissions from 3 submitters: Pathogenic (1); Likely pathogenic (1); Uncertain significance (1). Last evaluated 2024-08-21.

Conditions:
TUBGCP6-related disorder. Also called: TUBGCP6-related condition.

Allele frequency attached by ClinVar (database versions not stated): TOPMed below 0.00001; ExAC 0.00001; gnomAD exomes 0.00002.

Submissions (3):

Labcorp Genetics (formerly Invitae), Labcorp
Classification: Pathogenic. Last evaluated: 2024-08-21. Review status: criteria provided, single submitter. Criteria: Invitae Variant Classification Sherloc (09022015). Collection method: clinical testing. Allele origin: germline.
Comment: This sequence change creates a premature translational stop signal (p.Asp1705Thrfs*30) in the TUBGCP6 gene. It is expected to result in an absent or disrupted protein product. Loss-of-function variants in TUBGCP6 are known to be pathogenic (PMID: 25344692). This variant is present in population databases (rs764772232, gnomAD 0.003%). This variant has not been reported in the literature in individuals affected with TUBGCP6-related conditions. ClinVar contains an entry for this variant (Variation ID: 1176448). For these reasons, this variant has been classified as Pathogenic.

Blueprint Genetics
Classification: Likely pathogenic for TUBGCP6-related disorders. Last evaluated: 2022-02-02. Review status: criteria provided, single submitter. Criteria: ACMG Guidelines, 2015. Collection method: clinical testing. Allele origin: germline. Affected: yes. Observed: 3 variant alleles.

CeGaT Center for Human Genetics Tuebingen
Classification: Uncertain significance. Last evaluated: 2021-04-01. Review status: criteria provided, single submitter. Criteria: CeGaT Center For Human Genetics Tuebingen Variant Classification Criteria Version 2. Collection method: clinical testing. Allele origin: germline. Affected: yes. Observed: 1 variant allele.

Literature cited by the submitters: PubMed 25344692 (cited by Labcorp Genetics (formerly Invitae), Labcorp).

NM_020461.4(TUBGCP6):c.5112del (p.Asp1705fs)

Gene: TUBGCP6 (tubulin gamma complex component 6; minus strand). Cytogenetic location: 22q13.33.
Variant type: Deletion.
Coding change: c.5112del on transcript NM_020461.4 (MANE Select); coding-DNA position 5112, one base deleted (C; older notation c.5112delC).
Protein change: p.Asp1705fs; shifts the reading frame from aspartic acid 1705.
Molecular consequence: frameshift variant.
Genome position (GRCh38, 1-based): chr22:50,218,245, G deleted on the plus strand (C on the coding strand, the reverse complement: TUBGCP6 is on the minus strand). VCF-style (leftmost placement, unchanged base first): chr22-50218244-CG-C. GRCh37 (hg19) VCF-style: chr22-50656673-CG-C.
Other names: short protein forms D1705fs.
Identifiers: ClinVar variation 1176448 (VCV001176448.39), dbSNP rs764772232, ClinGen allele CA10307181.
Genomic context (GRCh38, chr22:50,218,244, plus strand): 5'-CTCACCTGAAGACGGCCTTGTGCAGGTACTCTGCGTGCGCACGCTGGATCTCCTCCAGGT[CG>C]CCCACGGTGGCCAACCTGGCCCTGAACTCGCACCAGGTGACGTGCAGGATCTGGTTGGCG-3'